The following is an entry in ClinVar:

ClinVar aggregate classification (germline): Uncertain significance (1 of 4 stars; one submission).

Allele frequency attached by ClinVar (database versions not stated): gnomAD exomes below 0.00001.
gnomAD v4.1: 1 of 1,613,376 alleles (0.000062%); highest among the groups gnomAD compares: Non-Finnish European, 0.000085%; no homozygotes.

Submission:

GeneDx
Classification: Uncertain significance. Last evaluated: 2025-11-18. Review status: criteria provided, single submitter. Criteria: GeneDx Variant Classification Process June 2021. Collection method: clinical testing. Allele origin: germline.
Comment: Reported in one pediatric patient with pulmonary arterial hypertension and congenital heart disease (PMID: 30029678); Not observed at significant frequency in large population cohorts (gnomAD); In silico analysis supports that this missense variant has a deleterious effect on protein structure/function; This variant is associated with the following publications: (PMID: 34426522, 30029678)

NM_002471.4(MYH6):c.923C>T (p.Pro308Leu)

Gene: MYH6 (myosin heavy chain 6; minus strand). Cytogenetic location: 14q11.2.
Variant type: single nucleotide variant.
Coding change: c.923C>T on transcript NM_002471.4 (MANE Select); coding-DNA position 923, C replaced by T.
Protein change: p.Pro308Leu; replaces proline 308 with leucine.
Molecular consequence: missense variant.
Genome position (GRCh38, 1-based): chr14:23,402,776, G>A on the plus strand (C>T on the coding strand, the complement: MYH6 is on the minus strand). VCF-style: chr14-23402776-G-A. GRCh37 (hg19) VCF-style: chr14-23871985-G-A.
Other names: short protein forms P308L.
Identifiers: ClinVar variation 1712778 (VCV001712778.3), dbSNP rs2502198587, ClinGen allele CA389027172.